The following is an entry in ClinVar:

NM_014000.3(VCL):c.1166A>G (p.Asp389Gly)

Gene: VCL (vinculin; plus strand). Cytogenetic location: 10q22.2.
Variant type: single nucleotide variant.
Coding change: c.1166A>G on transcript NM_014000.3 (MANE Select); coding-DNA position 1166, A replaced by G.
Protein change: p.Asp389Gly; replaces aspartic acid 389 with glycine.
Molecular consequence: missense variant.
Genome position (GRCh38, 1-based): chr10:74,089,339, A>G. VCF-style: chr10-74089339-A-G. GRCh37 (hg19) VCF-style: chr10-75849097-A-G.
Other names: c.1166A>G, p.Asp389Gly (NM_003373.4); short protein forms D389G.
Identifiers: ClinVar variation 2178285 (VCV002178285.2), dbSNP rs1839840039, ClinGen allele CA377272963.

ClinVar aggregate classification (germline): Uncertain significance (1 of 4 stars; one submission).

Conditions:
Dilated cardiomyopathy 1W (CMD1W). Identifiers: Orphanet 154, MedGen C1969639, MONDO:0012667, OMIM 611407.

Allele frequency attached by ClinVar (database versions not stated): gnomAD exomes below 0.00001; TOPMed below 0.00001.
gnomAD v4.1: 6 of 1,613,970 alleles (0.00037%); highest among the groups gnomAD compares: Non-Finnish European, 0.00051%; no homozygotes.

Submission:

Labcorp Genetics (formerly Invitae), Labcorp
Classification: Uncertain significance for Dilated cardiomyopathy 1W. Last evaluated: 2023-12-25. Review status: criteria provided, single submitter. Criteria: Invitae Variant Classification Sherloc (09022015). Collection method: clinical testing. Allele origin: germline.
Comment: This sequence change replaces aspartic acid, which is acidic and polar, with glycine, which is neutral and non-polar, at codon 389 of the VCL protein (p.Asp389Gly). This variant is not present in population databases (gnomAD no frequency). This variant has not been reported in the literature in individuals affected with VCL-related conditions. ClinVar contains an entry for this variant (Variation ID: 2178285). An algorithm developed to predict the effect of missense changes on protein structure and function (PolyPhen-2) suggests that this variant is likely to be disruptive. In summary, the available evidence is currently insufficient to determine the role of this variant in disease. Therefore, it has been classified as a Variant of Uncertain Significance.